The following is an entry in ClinVar:

NM_000090.4(COL3A1):c.1142G>A (p.Gly381Asp)

Gene: COL3A1 (collagen type III alpha 1 chain; plus strand). Cytogenetic location: 2q32.2.
Variant type: single nucleotide variant.
Coding change: c.1142G>A on transcript NM_000090.4 (MANE Select); coding-DNA position 1142, G replaced by A.
Protein change: p.Gly381Asp; replaces glycine 381 with aspartic acid.
Molecular consequence: missense variant.
Genome position (GRCh38, 1-based): chr2:188,993,452, G>A. VCF-style: chr2-188993452-G-A. GRCh37 (hg19) VCF-style: chr2-189858178-G-A.
Identifiers: ClinVar variation 101248 (VCV000101248.3), dbSNP rs587779544, ClinGen allele CA004078.

ClinVar aggregate classification (germline): Pathogenic. Review status: criteria provided, single submitter (1 of 4 stars). 2 submissions from 2 submitters: Pathogenic (1). 1 of the submissions does not count toward it. Last evaluated 2023-12-21.

Conditions:
Ehlers-Danlos syndrome, type 4 (EDSVASC). Also called: Ehlers-Danlos syndrome vascular type; Ehlers Danlos syndrome, ecchymotic type; Ehlers Danlos syndrome, arterial type; Ehlers Danlos syndrome, Sack-Barabas type; Ehlers-Danlos Syndrome Type IV. Identifiers: Orphanet 286, MedGen C0268338, MONDO:0017314, OMIM 130050.

Submissions (2):

Mayo Clinic Laboratories, Mayo Clinic
Classification: Pathogenic. Last evaluated: 2023-12-21. Review status: criteria provided, single submitter. Criteria: ACMG Guidelines, 2015. Collection method: clinical testing. Allele origin: germline. Observed: 1 variant allele.
Comment: PP2, PP3, PP4, PM1_strong, PM2, PS4_moderate

Collagen Diagnostic Laboratory, University of Washington
Classification: Pathogenic for Ehlers-Danlos syndrome, type 4. Review status: no assertion criteria provided. Collection method: clinical testing. Allele origin: germline. Affected: yes. Not counted in ClinVar's aggregate classification.

Literature cited by the submitters: PubMed 24922459 (cited by Mayo Clinic Laboratories, Mayo Clinic).